The following is an entry in ClinVar:

ClinVar aggregate classification (germline): Uncertain significance (1 of 4 stars; one submission).

Conditions:
Polycystic kidney disease, adult type (PKD1). Also called: Polycystic Kidney, Autosomal Dominant; POLYCYSTIC KIDNEY DISEASE, ADULT, TYPE I; Polycystic Kidney Disease 1, Autosomal Dominant; Polycystic kidney disease 1; Polycystic kidney disease 1, severe; POLYCYSTIC KIDNEY DISEASE 1 WITH OR WITHOUT POLYCYSTIC LIVER DISEASE. Identifiers: MedGen C3149841, MONDO:0008263, OMIM 173900.

Submission:

MVZ Medizinische Genetik Mainz
Classification: Uncertain significance for Polycystic kidney disease, adult type. Last evaluated: 2025-04-14. Review status: criteria provided, single submitter. Criteria: UK Practice Guidelines For Variant Classification V4 01 2020. Collection method: clinical testing. Allele origin: germline. Inheritance: Autosomal dominant inheritance. Affected: yes. Observed: 1 variant allele.
Comment: ACMG Criteria: PM2_SUP,PM5_SUP,PP4

NM_001009944.3(PKD1):c.1544G>A (p.Gly515Glu)

Gene: PKD1 (polycystin 1, transient receptor potential channel interacting; minus strand). Cytogenetic location: 16p13.3.
Variant type: single nucleotide variant.
Coding change: c.1544G>A on transcript NM_001009944.3 (MANE Select); coding-DNA position 1544, G replaced by A.
Protein change: p.Gly515Glu; replaces glycine 515 with glutamic acid.
Molecular consequence: missense variant.
Genome position (GRCh38, 1-based): chr16:2,116,895, C>T on the plus strand (G>A on the coding strand, the complement: PKD1 is on the minus strand). VCF-style: chr16-2116895-C-T. GRCh37 (hg19) VCF-style: chr16-2166896-C-T.
Other names: c.1544G>A, p.Gly515Glu (NM_000296.4); short protein forms G515E.
Identifiers: ClinVar variation 4526501 (VCV004526501.1).